The following is an entry in ClinVar:

ClinVar aggregate classification (germline): Uncertain significance. Review status: criteria provided, multiple submitters, no conflicts (2 of 4 stars). 3 submissions from 3 submitters: Uncertain significance (2). 1 of the submissions does not count toward it. Last evaluated 2021-09-03.

Conditions:
Perrault syndrome 3 (PRLTS3). Identifiers: Orphanet 2855, MedGen C3808414, MONDO:0013588, OMIM 614129.

Allele frequency attached by ClinVar (database versions not stated): gnomAD 0.00001; gnomAD exomes 0.00001; TOPMed 0.00001.
gnomAD v4.1: 10 of 1,612,600 alleles (0.00062%); highest among the groups gnomAD compares: African/African-American, 0.0013%; no homozygotes.

Submissions (3):

Fulgent Genetics
Classification: Uncertain significance for Perrault syndrome 3. Last evaluated: 2021-09-03. Review status: criteria provided, single submitter. Criteria: ACMG Guidelines, 2015. Collection method: clinical testing. Allele origin: unknown.

GeneDx
Classification: Uncertain significance. Last evaluated: 2017-11-06. Review status: criteria provided, single submitter. Criteria: GeneDx Variant Classification (06012015). Collection method: clinical testing. Allele origin: germline. Affected: yes.
Comment: The R174C variant in the CLPP gene has not been reported previously as a pathogenic variant, nor as a benign variant, to our knowledge. The R174C variant is not observed at a significant frequency in large population cohorts (Lek et al., 2016). The R174C variant is a non-conservative amino acid substitution, which is likely to impact secondary protein structure as these residues differ in polarity, charge, size and/or other properties. This substitution occurs at a position where amino acids with similar properties to Arginine are tolerated across species. In silico analysis predicts this variant is probably damaging to the protein structure/function. We interpret R174C as a variant of uncertain significance.

Undiagnosed Diseases Network, NIH
Classification: Pathogenic for Perrault syndrome 3. Last evaluated: 2023-01-31. Review status: no assertion criteria provided. Collection method: clinical testing. Allele origin: maternal. Affected: yes. Observed: 1 variant allele, 1 compound heterozygote. Study: Undiagnosed Diseases Network (NIH), UDN. Not counted in ClinVar's aggregate classification.

NM_006012.4(CLPP):c.520C>T (p.Arg174Cys)

Gene: CLPP (caseinolytic mitochondrial matrix peptidase proteolytic subunit; plus strand). Cytogenetic location: 19p13.3.
Variant type: single nucleotide variant.
Coding change: c.520C>T on transcript NM_006012.4 (MANE Select); coding-DNA position 520, C replaced by T.
Protein change: p.Arg174Cys; replaces arginine 174 with cysteine.
Molecular consequence: missense variant.
Genome position (GRCh38, 1-based): chr19:6,364,604, C>T. VCF-style: chr19-6364604-C-T. GRCh37 (hg19) VCF-style: chr19-6364615-C-T.
Other names: p.Arg174Cys; short protein forms R174C.
Identifiers: ClinVar variation 453066 (VCV000453066.5), dbSNP rs1244525711, ClinGen allele CA403589877.
Genomic context (GRCh38, chr19:6,364,604, plus strand): 5'-ATGGGCTCCCTGCTTCTCGCCGCCGGCACCCCAGGCATGCGCCACTCGCTCCCCAACTCC[C>T]GTATCATGATCCACCAGCCCTCAGGAGGCGCCCGGGTGAGTGCCAGACACGCGAGCTGCT-3'
Protein context (NP_006003.1, residues 164-184): PGMRHSLPNS[Arg174Cys]IMIHQPSGGA